The following is an entry in ClinVar:

NM_025137.4(SPG11):c.5335del (p.Ala1779fs)

Gene: SPG11 (SPG11 vesicle trafficking associated, spatacsin; minus strand). Cytogenetic location: 15q21.1.
Variant type: Deletion.
Coding change: c.5335del on transcript NM_025137.4 (MANE Select); coding-DNA position 5335, one base deleted (G; older notation c.5335delG).
Protein change: p.Ala1779fs; shifts the reading frame from alanine 1779.
Molecular consequence: frameshift variant.
Genome position (GRCh38, 1-based): chr15:44,584,345, C deleted on the plus strand (G on the coding strand, the reverse complement: SPG11 is on the minus strand); the first of 2 consecutive C bases (chr15:44,584,345-44,584,346); deleting either gives the same sequence. VCF-style (leftmost placement, unchanged base first): chr15-44584344-GC-G. GRCh37 (hg19) VCF-style: chr15-44876542-GC-G.
Other names: c.5335del, p.Ala1779fs (NM_001160227.2); c.5190delG, p.Ala1731Glnfs (NM_001411132.1); short protein forms A1779fs.
Identifiers: ClinVar variation 1990680 (VCV001990680.4), dbSNP rs1169800424, ClinGen allele CA713068791.

ClinVar aggregate classification (germline): Pathogenic (1 of 4 stars; one submission).

Conditions:
Hereditary spastic paraplegia 11. Also called: SPASTIC PARAPLEGIA, AUTOSOMAL RECESSIVE, COMPLICATED, WITH THIN CORPUS CALLOSUM; SPASTIC PARAPLEGIA, AUTOSOMAL RECESSIVE, WITH MENTAL IMPAIRMENT AND THIN CORPUS CALLOSUM; Spastic Paraplegia 11; Spastic paraplegia, mental retardation and thin corpus callosum; Nakamura Osame syndrome; Autosomal recessive hereditary spastic paraplegia, mental impairment, and thin corpus callosum. Identifiers: Orphanet 2822, MedGen C1858479, MONDO:0011445, OMIM 604360.

Submission:

Labcorp Genetics (formerly Invitae), Labcorp
Classification: Pathogenic for Hereditary spastic paraplegia 11. Last evaluated: 2021-12-26. Review status: criteria provided, single submitter. Criteria: Invitae Variant Classification Sherloc (09022015). Collection method: clinical testing. Allele origin: germline.
Comment: For these reasons, this variant has been classified as Pathogenic. This variant has not been reported in the literature in individuals affected with SPG11-related conditions. This variant is not present in population databases (gnomAD no frequency). This sequence change creates a premature translational stop signal (p.Ala1779Glnfs*59) in the SPG11 gene. It is expected to result in an absent or disrupted protein product. Loss-of-function variants in SPG11 are known to be pathogenic (PMID: 19105190, 20110243, 22154821, 26556829).

Literature cited by the submitters: PubMed 19105190; PubMed 20110243; PubMed 22154821; PubMed 26556829.